The following is an entry in ClinVar:

NM_000059.4(BRCA2):c.9893T>C (p.Phe3298Ser)

Gene: BRCA2 (BRCA2 DNA repair associated; plus strand). Cytogenetic location: 13q13.1.
Variant type: single nucleotide variant.
Coding change: c.9893T>C on transcript NM_000059.4 (MANE Select); coding-DNA position 9893, T replaced by C.
Protein change: p.Phe3298Ser; replaces phenylalanine 3298 with serine.
Molecular consequence: missense variant. On other transcripts: non-coding transcript variant (1).
Genome position (GRCh38, 1-based): chr13:32,398,406, T>C. VCF-style: chr13-32398406-T-C. GRCh37 (hg19) VCF-style: chr13-32972543-T-C.
Other names: c.9797T>C, p.Phe3266Ser (NM_001406719.1); c.9842T>C, p.Phe3281Ser (NM_001406720.1); c.4961T>C, p.Phe1654Ser (NM_001406721.1); c.3476T>C, p.Phe1159Ser (NM_001406722.1); c.9893T>C, p.Phe3298Ser (NM_001432077.1); short protein forms F1159S, F1654S, F3266S, F3298S, F3281S.
Identifiers: ClinVar variation 3636570 (VCV003636570.2).

ClinVar aggregate classification (germline): Uncertain significance (1 of 4 stars; one submission).

Conditions:
Hereditary breast ovarian cancer syndrome. Also called: Hereditary breast and ovarian cancer syndrome; Hereditary breast and ovarian cancer syndrome (HBOC); BRCA1- and BRCA2-Associated Hereditary Breast and Ovarian Cancer; Hereditary breast and ovarian cancer; Breast and ovarian cancer; Hereditary breast and/or ovarian cancer syndrome. Identifiers: Orphanet 145, MedGen C0677776, MeSH D061325, MONDO:0003582. Disease mechanism: loss of function.

Submission:

Labcorp Genetics (formerly Invitae), Labcorp
Classification: Uncertain significance for Hereditary breast ovarian cancer syndrome. Last evaluated: 2024-12-19. Review status: criteria provided, single submitter. Criteria: Invitae Variant Classification Sherloc (09022015). Collection method: clinical testing. Allele origin: germline.
Comment: This sequence change replaces phenylalanine, which is neutral and non-polar, with serine, which is neutral and polar, at codon 3298 of the BRCA2 protein (p.Phe3298Ser). This variant is not present in population databases (gnomAD no frequency). This variant has not been reported in the literature in individuals affected with BRCA2-related conditions. Invitae Evidence Modeling of protein sequence and biophysical properties (such as structural, functional, and spatial information, amino acid conservation, physicochemical variation, residue mobility, and thermodynamic stability) indicates that this missense variant is not expected to disrupt BRCA2 protein function with a negative predictive value of 95%. In summary, the available evidence is currently insufficient to determine the role of this variant in disease. Therefore, it has been classified as a Variant of Uncertain Significance.